The following is an entry in ClinVar:

ClinVar aggregate classification (germline): Uncertain significance (1 of 4 stars; one submission).

Conditions:
TTN-related disorder. Also called: TTN-related disorders; TTN-related condition; TTN-related disease.

gnomAD v4.1: 6 of 1,608,840 alleles (0.00037%); highest among the groups gnomAD compares: Non-Finnish European, 0.00051%; no homozygotes.

Submission:

PreventionGenetics, part of Exact Sciences
Classification: Uncertain significance for TTN-related condition. Last evaluated: 2025-11-24. Review status: criteria provided, single submitter. Criteria: ACMG Guidelines, 2015. Collection method: clinical testing. Allele origin: germline.
Comment: The TTN c.41381A>G variant is predicted to result in the amino acid substitution p.Lys13794Arg. To our knowledge, this variant has not been reported in the literature. This variant is reported in 0.0018% of alleles in individuals of European (Non-Finnish) descent in gnomAD. At this time, the clinical significance of this variant is uncertain due to the absence of conclusive functional and genetic evidence.

NM_001267550.2(TTN):c.41381A>G (p.Lys13794Arg)

Gene: TTN (titin; minus strand). Cytogenetic location: 2q31.2.
Variant type: single nucleotide variant.
Coding change: c.41381A>G on transcript NM_001267550.2 (MANE Select); coding-DNA position 41381, A replaced by G.
Protein change: p.Lys13794Arg; replaces lysine 13794 with arginine.
Molecular consequence: missense variant.
Genome position (GRCh38, 1-based): chr2:178,636,190, T>C on the plus strand (A>G on the coding strand, the complement: TTN is on the minus strand). VCF-style: chr2-178636190-T-C. GRCh37 (hg19) VCF-style: chr2-179500917-T-C.
Other names: c.36458A>G, p.Lys12153Arg (NM_001256850.1); c.14186A>G, p.Lys4729Arg (NM_003319.4); c.33677A>G, p.Lys11226Arg (NM_133378.4); c.14561A>G, p.Lys4854Arg (NM_133432.3); c.14762A>G, p.Lys4921Arg (NM_133437.4); short protein forms K4854R, K12153R, K4729R, K11226R, K4921R, K13794R.
Identifiers: ClinVar variation 4987822 (VCV004987822.1).